The following is an entry in ClinVar:

NM_004115.4(FGF14):c.693G>A (p.Ala231=)

Gene: FGF14 (fibroblast growth factor 14; minus strand). Cytogenetic location: 13q33.1.
Variant type: single nucleotide variant.
Coding change: c.693G>A on transcript NM_004115.4 (MANE Select); coding-DNA position 693, G replaced by A.
Protein change: p.Ala231=; no amino-acid change (alanine 231 retained).
Molecular consequence: synonymous variant.
Genome position (GRCh38, 1-based): chr13:101,722,882, C>T on the plus strand (G>A on the coding strand, the complement: FGF14 is on the minus strand). VCF-style: chr13-101722882-C-T. GRCh37 (hg19) VCF-style: chr13-102375232-C-T.
Other names: p.Ala231=; c.441G>A, p.Ala147= (NM_001321931.1, NM_001321934.1, NM_001321935.1 and 4 more transcripts); c.504G>A, p.Ala168= (NM_001321932.1, NM_001321936.1, NM_001321944.1); c.513G>A, p.Ala171= (NM_001321933.1, NM_001321938.2, NM_001321940.1); c.597G>A, p.Ala199= (NM_001321939.2); c.507G>A, p.Ala169= (NM_001321941.2); c.591G>A, p.Ala197= (NM_001321945.2, NM_001321948.2, NM_001379342.1); c.552G>A, p.Ala184= (NM_001321947.2); and 1 more.
Identifiers: ClinVar variation 310893 (VCV000310893.15), dbSNP rs34397704, ClinGen allele CA7037093.

ClinVar aggregate classification (germline): Benign/Likely benign. Review status: criteria provided, multiple submitters, no conflicts (2 of 4 stars). 8 submissions from 8 submitters: Benign (6); Likely benign (2). Last evaluated 2026-02-03.

Conditions:
Spinocerebellar ataxia type 27 (SCA27). Identifiers: Orphanet 98764, MedGen C1836383, MONDO:0012247.

Allele frequency attached by ClinVar (database versions not stated): 1000 Genomes Project 30x 0.00328; 1000 Genomes Project 0.00399; TOPMed 0.01071; ESP Exome Variant Server 0.01476.
gnomAD v4.1: 26,727 of 1,613,304 alleles (1.7%); highest among the groups gnomAD compares: Non-Finnish European, 2.1%; 308 homozygotes.

Submissions (8):

Labcorp Genetics (formerly Invitae), Labcorp
Classification: Benign. Last evaluated: 2026-02-03. Review status: criteria provided, single submitter. Criteria: Invitae Variant Classification Sherloc (09022015). Collection method: clinical testing. Allele origin: germline.

Athena Diagnostics
Classification: Benign. Last evaluated: 2024-01-12. Review status: criteria provided, single submitter. Criteria: Athena Diagnostics Criteria. Collection method: clinical testing. Allele origin: unknown.

Mayo Clinic Laboratories, Mayo Clinic
Classification: Benign. Last evaluated: 2022-07-15. Review status: criteria provided, single submitter. Criteria: ACMG Guidelines, 2015. Collection method: clinical testing. Allele origin: germline. Observed: 63 variant alleles.

GeneDx
Classification: Likely benign. Last evaluated: 2021-05-06. Review status: criteria provided, single submitter. Criteria: GeneDx Variant Classification Process June 2021. Collection method: clinical testing. Allele origin: germline. Affected: yes.

Illumina Laboratory Services, Illumina
Classification: Benign for Spinocerebellar ataxia 27A. Last evaluated: 2018-01-12. Review status: criteria provided, single submitter. Criteria: ICSL Variant Classification Criteria 13 December 2019. Collection method: clinical testing. Allele origin: germline.
Comment: This variant was observed in the ICSL laboratory as part of a predisposition screen in an ostensibly healthy population. It had not been previously curated by ICSL or reported in the Human Gene Mutation Database (HGMD: prior to June 1st, 2018), and was therefore a candidate for classification through an automated scoring system. Utilizing variant allele frequency, disease prevalence and penetrance estimates, and inheritance mode, an automated score was calculated to assess if this variant is too frequent to cause the disease. Based on the score and internal cut-off values, a variant classified as benign is not then subjected to further curation. The score for this variant resulted in a classification of benign for this disease.

Clinical Genetics DNA and cytogenetics Diagnostics Lab, Erasmus MC, Erasmus Medical Center
Classification: Benign for Spinocerebellar ataxia 27A. Last evaluated: 2015-09-21. Review status: criteria provided, single submitter. Criteria: ACGS Guidelines, 2013. Collection method: clinical testing. Allele origin: germline. Affected: yes. Study: VKGL Data-share Consensus.

Genome Diagnostics Laboratory, University Medical Center Utrecht
Classification: Benign for Spinocerebellar ataxia 27A. Last evaluated: 2014-10-10. Review status: criteria provided, single submitter. Criteria: ACGS Guidelines, 2013. Collection method: clinical testing. Allele origin: germline. Affected: yes. Study: VKGL Data-share Consensus.

Breakthrough Genomics
Classification: Likely benign. Review status: criteria provided, single submitter. Criteria: ACMG Guidelines, 2015. Collection method: not provided. Allele origin: germline. Inheritance: Autosomal dominant inheritance. Affected: yes.